The following is an entry in ClinVar:

NM_001330691.3(CEP78):c.1428A>G (p.Ile476Met)

Gene: CEP78 (centrosomal protein 78; plus strand). Cytogenetic location: 9q21.2.
Variant type: single nucleotide variant.
Coding change: c.1428A>G on transcript NM_001330691.3 (MANE Select); coding-DNA position 1428, A replaced by G.
Protein change: p.Ile476Met; replaces isoleucine 476 with methionine.
Molecular consequence: missense variant.
Genome position (GRCh38, 1-based): chr9:78,262,954, A>G. VCF-style: chr9-78262954-A-G. GRCh37 (hg19) VCF-style: chr9-80877870-A-G.
Other names: c.1431A>G, p.Ile477Met (NM_001098802.3, NM_001349839.2, NM_001349840.2 and 1 more transcripts); c.1428A>G, p.Ile476Met (NM_001330693.3, NM_001330694.2, NM_001349838.2); short protein forms I476M, I477M.
Identifiers: ClinVar variation 2145945 (VCV002145945.5), dbSNP rs1827342841, ClinGen allele CA373863432.

ClinVar aggregate classification (germline): Uncertain significance. Review status: criteria provided, multiple submitters, no conflicts (2 of 4 stars). 2 submissions from 2 submitters: Uncertain significance (2). Last evaluated 2022-11-13.

Allele frequency attached by ClinVar (database versions not stated): gnomAD 0.00001; gnomAD exomes 0.00001.
gnomAD v4.1: 8 of 1,546,274 alleles (0.00052%); highest among the groups gnomAD compares: Non-Finnish European, 0.0007%; no homozygotes.

Submissions (2):

Blueprint Genetics
Classification: Uncertain significance. Last evaluated: 2022-11-13. Review status: criteria provided, single submitter. Criteria: ACMG Guidelines, 2015. Collection method: clinical testing. Allele origin: germline.

Labcorp Genetics (formerly Invitae), Labcorp
Classification: Uncertain significance. Last evaluated: 2022-04-18. Review status: criteria provided, single submitter. Criteria: Invitae Variant Classification Sherloc (09022015). Collection method: clinical testing. Allele origin: germline.
Comment: In summary, the available evidence is currently insufficient to determine the role of this variant in disease. Therefore, it has been classified as a Variant of Uncertain Significance. This sequence change replaces isoleucine, which is neutral and non-polar, with methionine, which is neutral and non-polar, at codon 477 of the CEP78 protein (p.Ile477Met). This variant is not present in population databases (gnomAD no frequency). This variant has not been reported in the literature in individuals affected with CEP78-related conditions. Algorithms developed to predict the effect of missense changes on protein structure and function output the following: SIFT: "Tolerated"; PolyPhen-2: "Possibly Damaging"; Align-GVGD: "Class C0". The methionine amino acid residue is found in multiple mammalian species, which suggests that this missense change does not adversely affect protein function.